The following is an entry in ClinVar:

ClinVar aggregate classification (germline): Conflicting classifications of pathogenicity. Review status: criteria provided, conflicting classifications (1 of 4 stars). 5 submissions from 5 submitters: Uncertain significance (1); Benign (2); Likely benign (1). 1 of the submissions does not count toward it. Last evaluated 2025-06-24.

Conditions:
PRPF3-related disorder. Also called: PRPF3-related condition.
Retinitis pigmentosa (RP). Identifiers: Orphanet 791, MedGen C0035334, MeSH D012174, MONDO:0019200, OMIM 268000. Inheritance: Autosomal dominant, autosomal recessive and X linked inheritance.

Allele frequency attached by ClinVar (database versions not stated): 1000 Genomes Project 30x 0.00016; 1000 Genomes Project 0.00020; TOPMed 0.00021; gnomAD exomes 0.00031 and 0.00032; gnomAD 0.00035 and 0.00036; ExAC 0.00038; ESP Exome Variant Server 0.00038.
gnomAD v4.1: 519 of 1,613,670 alleles (0.032%); highest among the groups gnomAD compares: Non-Finnish European, 0.042%; 1 homozygote.

Submissions (5):

Labcorp Genetics (formerly Invitae), Labcorp
Classification: Benign. Last evaluated: 2025-06-24. Review status: criteria provided, single submitter. Criteria: Invitae Variant Classification Sherloc (09022015). Collection method: clinical testing. Allele origin: germline.

Blueprint Genetics
Classification: Likely benign. Last evaluated: 2024-10-07. Review status: criteria provided, single submitter. Criteria: ACMG Guidelines, 2015. Collection method: clinical testing. Allele origin: germline.

Illumina Laboratory Services, Illumina
Classification: Benign for Retinitis pigmentosa. Last evaluated: 2018-03-12. Review status: criteria provided, single submitter. Criteria: ICSL Variant Classification Criteria 13 December 2019. Collection method: clinical testing. Allele origin: germline.
Comment: This variant was observed in the ICSL laboratory as part of a predisposition screen in an ostensibly healthy population. It had not been previously curated by ICSL or reported in the Human Gene Mutation Database (HGMD: prior to June 1st, 2018), and was therefore a candidate for classification through an automated scoring system. Utilizing variant allele frequency, disease prevalence and penetrance estimates, and inheritance mode, an automated score was calculated to assess if this variant is too frequent to cause the disease. Based on the score and internal cut-off values, a variant classified as benign is not then subjected to further curation. The score for this variant resulted in a classification of benign for this disease.

Eurofins Ntd Llc (ga)
Classification: Uncertain significance. Last evaluated: 2013-11-20. Review status: criteria provided, single submitter. Criteria: EGL Classification Definitions 2015. Collection method: clinical testing. Allele origin: germline. Observed: 1 variant allele, 1 heterozygote.

PreventionGenetics, part of Exact Sciences
Classification: Likely benign for PRPF3-related condition. Last evaluated: 2020-12-21. Review status: no assertion criteria provided. Collection method: clinical testing. Allele origin: germline. Not counted in ClinVar's aggregate classification.
Comment: This variant is classified as likely benign based on ACMG/AMP sequence variant interpretation guidelines (Richards et al. 2015 PMID: 25741868, with internal and published modifications).

NM_004698.4(PRPF3):c.1032A>G (p.Thr344=)

Gene: PRPF3 (pre-mRNA processing factor 3; plus strand). Cytogenetic location: 1q21.2.
Variant type: single nucleotide variant.
Coding change: c.1032A>G on transcript NM_004698.4 (MANE Select); coding-DNA position 1032, A replaced by G.
Protein change: p.Thr344=; no amino-acid change (threonine 344 retained).
Molecular consequence: synonymous variant. On other transcripts: non-coding transcript variant (4).
Genome position (GRCh38, 1-based): chr1:150,335,238, A>G. VCF-style: chr1-150335238-A-G. GRCh37 (hg19) VCF-style: chr1-150307709-A-G.
Other names: c.627A>G, p.Thr209= (NM_001350529.1).
Identifiers: ClinVar variation 95158 (VCV000095158.21), dbSNP rs143350315, ClinGen allele CA222786.